The following is an entry in ClinVar:

NM_207122.2(EXT2):c.1049T>G (p.Leu350Trp)

Gene: EXT2 (exostosin glycosyltransferase 2; plus strand). Cytogenetic location: 11p11.2.
Variant type: single nucleotide variant.
Coding change: c.1049T>G on transcript NM_207122.2 (MANE Select); coding-DNA position 1049, T replaced by G.
Protein change: p.Leu350Trp; replaces leucine 350 with tryptophan.
Molecular consequence: missense variant.
Genome position (GRCh38, 1-based): chr11:44,126,925, T>G. VCF-style: chr11-44126925-T-G. GRCh37 (hg19) VCF-style: chr11-44148475-T-G.
Other names: c.1148T>G, p.Leu383Trp (NM_000401.3); c.1049T>G, p.Leu350Trp (NM_001178083.3, NM_001389628.1, NM_001389630.1); short protein forms L350W, L383W.
Identifiers: ClinVar variation 3599607 (VCV003599607.2).

ClinVar aggregate classification (germline): Uncertain significance. Review status: criteria provided, multiple submitters, no conflicts (2 of 4 stars). 2 submissions from 2 submitters: Uncertain significance (2). Last evaluated 2026-02-20.

Conditions:
Exostoses, multiple, type 2 (EXT2). Also called: Hereditary Multiple Osteochondromatosis, Type II; EXOSTOSES, MULTIPLE, TYPE II. Identifiers: Orphanet 321, MedGen C1851413, MONDO:0007586, OMIM 133701.
Seizures-scoliosis-macrocephaly syndrome. Also called: Seizures, scoliosis, and macrocephaly syndrome; SEIZURES, SCOLIOSIS, AND MACROCEPHALY/MICROCEPHALY SYNDROME. Identifiers: Orphanet 466926, MedGen C4225248, MONDO:0014731, OMIM 616682.

Submissions (2):

St. Jude Molecular Pathology, St. Jude Children's Research Hospital
Classification: Uncertain significance for Exostoses, multiple, type 2. Last evaluated: 2026-02-20. Review status: criteria provided, single submitter. Criteria: St. Jude Assertion Criteria 2020. Collection method: clinical testing. Allele origin: germline.
Comment: The EXT2 c.1148T>G p.(Leu383Trp) missense change is absent in gnomAD v2.1.1. The in silico tool REVEL predicts a deleterious effect on protein function, but to our knowledge this prediction has not been confirmed by functi onal studies. To our knowledge, this variant has not been reported in individuals with hereditary multiple exostoses. In summary, the evidence currently available is insufficient to determine the clinical significance of this variant. It has therefore be en classified as of uncertain significance.

Fulgent Genetics
Classification: Uncertain significance for Exostoses, multiple, type 2; Seizures-scoliosis-macrocephaly syndrome. Last evaluated: 2024-04-11. Review status: criteria provided, single submitter. Criteria: ACMG Guidelines, 2015. Collection method: clinical testing. Allele origin: germline.